The following is an entry in ClinVar:

NM_001080453.3(INTS1):c.6554_6564delinsCGTGATGTGAGCCT (p.His2185_Ala2188delinsProTer)

Gene: INTS1 (integrator complex subunit 1; minus strand). Cytogenetic location: 7p22.3.
Variant type: Indel.
Coding change: c.6554_6564delinsCGTGATGTGAGCCT on transcript NM_001080453.3 (MANE Select); coding-DNA positions 6554 to 6564, ATATGGAGGCC replaced by CGTGATGTGAGCCT.
Protein change: p.His2185_Ala2188delinsProTer.
Molecular consequence: nonsense. On other transcripts: inframe indel (1).
Genome position (GRCh38, 1-based): chr7:1,470,586-1,470,596, GGCCTCCATAT replaced by AGGCTCACATCACG on the plus strand (ATATGGAGGCC replaced by CGTGATGTGAGCCT on the coding strand, the reverse complement: INTS1 is on the minus strand). VCF-style: chr7-1470586-GGCCTCCATAT-AGGCTCACATCACG. GRCh37 (hg19) VCF-style: chr7-1510222-GGCCTCCATAT-AGGCTCACATCACG.
Other names: c.3071_3081delATATGGAGGCCinsCGTGATGTGAGCCT, p.His1024_Met1029delinsPro (NM_015674.1).
Identifiers: ClinVar variation 2277337 (VCV002277337.2), dbSNP rs2483285479, ClinGen allele CA2580076695.

ClinVar aggregate classification (germline): Uncertain significance (1 of 4 stars; one submission).

Conditions:
Inborn genetic diseases. Identifiers: MedGen C0950123, MeSH D030342.

Submission:

Ambry Genetics
Classification: Uncertain significance for Inborn genetic diseases. Last evaluated: 2022-02-25. Review status: criteria provided, single submitter. Criteria: Ambry Variant Classification Scheme 2023. Collection method: clinical testing. Allele origin: germline.
Comment: The c.6554_6564del11insCGTGATGTGAGCCT (p.H2185_A2188delinsP*) alteration, located in exon 48 (coding exon 47) of the INTS1 gene, consists of an in-frame deletion of 11 and insertion of 14 nucleotides from position 6554 to 6564, resulting in the insertion of a premature termination codon. This alteration occurs at the 3' terminus of the INTS1 gene, is not expected to trigger nonsense-mediated mRNA decay, and only impacts the last 0.1% of the protein. The exact functional effect of this alteration is unknown. Based on insufficient or conflicting evidence, the clinical significance of this alteration remains unclear.